The following is an entry in ClinVar:

NM_152419.3(HGSNAT):c.820+6A>G

Gene: HGSNAT (heparan-alpha-glucosaminide N-acetyltransferase; plus strand). Cytogenetic location: 8p11.21.
Variant type: single nucleotide variant.
Coding change: c.820+6A>G on transcript NM_152419.3 (MANE Select); 6 bases into the intron after coding-DNA position 820, A replaced by G.
Molecular consequence: intron variant.
Genome position (GRCh38, 1-based): chr8:43,172,392, A>G. VCF-style: chr8-43172392-A-G. GRCh37 (hg19) VCF-style: chr8-43027535-A-G.
Other names: c.820+6A>G (NM_001363227.2, NM_001363228.2); c.-14+6A>G (NM_001363229.2).
Identifiers: ClinVar variation 2145526 (VCV002145526.1), dbSNP rs746644852, ClinGen allele CA4736633.

ClinVar aggregate classification (germline): Uncertain significance (1 of 4 stars; one submission).

Conditions:
Mucopolysaccharidosis, MPS-III-C (MPS3C). Also called: SANFILIPPO SYNDROME C; MPS III C; mucopolysaccharidosis type 3C; MUCOPOLYSACCHARIDOSIS, TYPE IIIC; MPS IIIC (Sanfilippo Syndrome Type C); Mucopolysaccharidosis type IIIC (Sanfilippo C). Identifiers: Orphanet 581, Orphanet 79271, MedGen C0086649, MONDO:0009657, OMIM 252930.
Retinitis pigmentosa 73 (RP73). Identifiers: Orphanet 791, MedGen C4225287, MONDO:0014687, OMIM 616544.

Allele frequency attached by ClinVar (database versions not stated): ExAC 0.00002; gnomAD exomes 0.00001.
gnomAD v4.1: 12 of 1,583,636 alleles (0.00076%); highest among the groups gnomAD compares: South Asian, 0.012%; no homozygotes.

Submission:

Labcorp Genetics (formerly Invitae), Labcorp
Classification: Uncertain significance for Retinitis pigmentosa 73; Mucopolysaccharidosis, MPS-III-C. Last evaluated: 2021-09-24. Review status: criteria provided, single submitter. Criteria: Invitae Variant Classification Sherloc (09022015). Collection method: clinical testing. Allele origin: germline.
Comment: This sequence change falls in intron 8 of the HGSNAT gene. It does not directly change the encoded amino acid sequence of the HGSNAT protein, but it affects a nucleotide within the consensus splice site of the intron. This variant is present in population databases (rs746644852, ExAC 0.01%). This variant has not been reported in the literature in individuals with HGSNAT-related disease. Nucleotide substitutions within the consensus splice site are a relatively common cause of aberrant splicing (PMID: 17576681, 9536098). Algorithms developed to predict the effect of sequence changes on RNA splicing suggest that this variant may create or strengthen a splice site, but this prediction has not been confirmed by published transcriptional studies. In summary, the available evidence is currently insufficient to determine the role of this variant in disease. Therefore, it has been classified as a Variant of Uncertain Significance.

Literature cited by the submitters: PubMed 17576681; PubMed 9536098.